The following is an entry in ClinVar:

NM_000553.6(WRN):c.1882C>G (p.Leu628Val)

Gene: WRN (WRN RecQ like helicase; plus strand). Cytogenetic location: 8p12.
Variant type: single nucleotide variant.
Coding change: c.1882C>G on transcript NM_000553.6 (MANE Select); coding-DNA position 1882, C replaced by G.
Protein change: p.Leu628Val; replaces leucine 628 with valine.
Molecular consequence: missense variant.
Genome position (GRCh38, 1-based): chr8:31,091,882, C>G. VCF-style: chr8-31091882-C-G. GRCh37 (hg19) VCF-style: chr8-30949398-C-G.
Other names: p.Leu628Val; short protein forms L628V.
Identifiers: ClinVar variation 135420 (VCV000135420.20), dbSNP rs77969734, ClinGen allele CA162707.

ClinVar aggregate classification (germline): Benign/Likely benign. Review status: criteria provided, multiple submitters, no conflicts (2 of 4 stars). 8 submissions from 7 submitters: Benign (4); Likely benign (3). 1 of the submissions does not count toward it. Last evaluated 2026-06-01.

Conditions:
Wiskott-Aldrich syndrome (WAS). Also called: ALDRICH SYNDROME; IMMUNODEFICIENCY 2; Wiskott-aldrich syndrome, somatic; WISKOTT-ALDRICH SYNDROME 1. Identifiers: Orphanet 906, MedGen C0043194, MONDO:0010518, OMIM 301000.
Werner syndrome (WRN). Identifiers: Orphanet 902, MedGen C0043119, MONDO:0010196, OMIM 277700.

Allele frequency attached by ClinVar (database versions not stated): gnomAD 0.00050 and 0.00067; TOPMed 0.00079; ExAC 0.00141; 1000 Genomes Project 30x 0.00297; 1000 Genomes Project 0.00319.
gnomAD v4.1: 777 of 1,612,944 alleles (0.048%); highest among the groups gnomAD compares: East Asian, 1.4%; 4 homozygotes.

Submissions (8):

CeGaT Center for Human Genetics Tuebingen
Classification: Likely benign. Last evaluated: 2026-06-01. Review status: criteria provided, single submitter. Criteria: CeGaT Center For Human Genetics Tuebingen Variant Classification Criteria Version 2. Collection method: clinical testing. Allele origin: germline. Affected: yes. Observed: 1 variant allele.
Comment: WRN: BP4, BS1

Labcorp Genetics (formerly Invitae), Labcorp
Classification: Benign for Werner syndrome. Last evaluated: 2026-01-28. Review status: criteria provided, single submitter. Criteria: Invitae Variant Classification Sherloc (09022015). Collection method: clinical testing. Allele origin: germline.

Mayo Clinic Laboratories, Mayo Clinic
Classification: Likely benign. Last evaluated: 2025-10-19. Review status: criteria provided, single submitter. Criteria: ACMG Guidelines, 2015. Collection method: clinical testing. Allele origin: germline. Observed: 1 variant allele.
Comment: BS1, BP4

KCCC/NGS Laboratory, Kuwait Cancer Control Center
Classification: Benign for Werner syndrome. Last evaluated: 2025-02-01. Review status: criteria provided, single submitter. Criteria: ACMG Guidelines, 2015. Collection method: clinical testing. Allele origin: germline. Affected: no.

KCCC/NGS Laboratory, Kuwait Cancer Control Center
Classification: Benign for Wiskott-Aldrich syndrome. Last evaluated: 2023-07-07. Review status: criteria provided, single submitter. Criteria: ACMG Guidelines, 2015. Collection method: clinical testing. Allele origin: germline. Affected: yes.

Genome-Nilou Lab
Classification: Benign for Werner syndrome. Last evaluated: 2021-12-05. Review status: criteria provided, single submitter. Criteria: ACMG Guidelines, 2015. Collection method: clinical testing. Allele origin: germline. Affected: no.

Illumina Laboratory Services, Illumina
Classification: Likely benign for Werner syndrome. Last evaluated: 2017-04-27. Review status: criteria provided, single submitter. Criteria: ICSL Variant Classification Criteria 13 December 2019. Collection method: clinical testing. Allele origin: germline.
Comment: This variant was observed as part of a predisposition screen in an ostensibly healthy population. A literature search was performed for the gene, cDNA change, and amino acid change (where applicable). Publications were found based on this search. The evidence from the literature, in combination with allele frequency data from public databases where available, was sufficient to determine this variant is unlikely to cause disease. Therefore, this variant is classified as likely benign.

ITMI
No classification provided. Condition: AllHighlyPenetrant. Last evaluated: 2013-09-19. Review status: no classification provided. Collection method: reference population. Allele origin: germline. Not counted in ClinVar's aggregate classification.
Comment: Please see associated publication for description of ethnicities

Literature cited by the submitters: PubMed 25018888 (cited by Illumina Laboratory Services, Illumina); PubMed 19824023 (cited by Illumina Laboratory Services, Illumina); PubMed 25637295 (cited by Illumina Laboratory Services, Illumina); PubMed 24728327 (cited by ITMI).